The following is an entry in ClinVar:

NM_001283009.2(RTEL1):c.491G>T (p.Arg164Leu)

Genes: RTEL1 (regulator of telomere elongation helicase 1; plus strand), RTEL1-TNFRSF6B (RTEL1-TNFRSF6B readthrough (NMD candidate); plus strand). Cytogenetic location: 20q13.33.
Variant type: single nucleotide variant.
Coding change: c.491G>T on transcript NM_001283009.2 (MANE Select); coding-DNA position 491, G replaced by T.
Protein change: p.Arg164Leu; replaces arginine 164 with leucine.
Molecular consequence: missense variant. On other transcripts: non-coding transcript variant (1), 5 prime UTR variant (1).
Genome position (GRCh38, 1-based): chr20:63,662,842, G>T. VCF-style: chr20-63662842-G-T. GRCh37 (hg19) VCF-style: chr20-62294195-G-T.
Other names: c.-179G>T (NM_001283010.1); c.491G>T, p.Arg164Leu (NM_016434.4); c.563G>T, p.Arg188Leu (NM_032957.5); short protein forms R164L, R188L.
Identifiers: ClinVar variation 2174510 (VCV002174510.1), dbSNP rs377176432, ClinGen allele CA409669898.

ClinVar aggregate classification (germline): Uncertain significance (1 of 4 stars; one submission).

Conditions:
Dyskeratosis congenita, autosomal recessive 5 (DKCB5). Identifiers: MedGen C3554656, MONDO:0014076, OMIM 615190.
Pulmonary fibrosis and/or bone marrow failure, Telomere-related, 3. Also called: PULMONARY FIBROSIS AND/OR BONE MARROW FAILURE SYNDROME, TELOMERE-RELATED, 3. Identifiers: Orphanet 2032, MedGen C4225346, MONDO:0014613, OMIM 616373.

gnomAD v4.1: 26 of 1,613,844 alleles (0.0016%); highest among the groups gnomAD compares: Non-Finnish European, 0.002%; no homozygotes.

Submission:

Labcorp Genetics (formerly Invitae), Labcorp
Classification: Uncertain significance for Dyskeratosis congenita, autosomal recessive 5; Pulmonary fibrosis and/or bone marrow failure, Telomere-related, 3. Last evaluated: 2022-03-16. Review status: criteria provided, single submitter. Criteria: Invitae Variant Classification Sherloc (09022015). Collection method: clinical testing. Allele origin: germline.
Comment: This sequence change replaces arginine, which is basic and polar, with leucine, which is neutral and non-polar, at codon 164 of the RTEL1 protein (p.Arg164Leu). This variant is present in population databases (no rsID available, gnomAD 0.002%). This variant has not been reported in the literature in individuals affected with RTEL1-related conditions. Algorithms developed to predict the effect of missense changes on protein structure and function are either unavailable or do not agree on the potential impact of this missense change (SIFT: "Deleterious"; PolyPhen-2: "Benign"; Align-GVGD: "Class C0"). In summary, the available evidence is currently insufficient to determine the role of this variant in disease. Therefore, it has been classified as a Variant of Uncertain Significance.